The following is an entry in ClinVar:

NM_001378454.1(ALMS1):c.1912G>A (p.Glu638Lys)

Gene: ALMS1 (ALMS1 centrosome and basal body associated protein; plus strand). Cytogenetic location: 2p13.1.
Variant type: single nucleotide variant.
Coding change: c.1912G>A on transcript NM_001378454.1 (MANE Select); coding-DNA position 1912, G replaced by A.
Protein change: p.Glu638Lys; replaces glutamic acid 638 with lysine.
Molecular consequence: missense variant.
Genome position (GRCh38, 1-based): chr2:73,448,439, G>A. VCF-style: chr2-73448439-G-A. GRCh37 (hg19) VCF-style: chr2-73675566-G-A.
Other names: c.1915G>A, p.Glu639Lys (NM_015120.4); short protein forms E639K, E638K.
Identifiers: ClinVar variation 2079394 (VCV002079394.3), dbSNP rs1324473676, ClinGen allele CA347265774.

ClinVar aggregate classification (germline): Uncertain significance. Review status: criteria provided, multiple submitters, no conflicts (2 of 4 stars). 3 submissions from 3 submitters: Uncertain significance (3). Last evaluated 2024-03-04.

Conditions:
Cardiovascular phenotype. Identifiers: MedGen CN230736.
Alstrom syndrome (ALMS). Identifiers: Orphanet 64, MedGen C0268425, MONDO:0008763, OMIM 203800.

Allele frequency attached by ClinVar (database versions not stated): gnomAD exomes below 0.00001; TOPMed below 0.00001; gnomAD 0.00001.
gnomAD v4.1: 9 of 1,613,814 alleles (0.00056%); highest among the groups gnomAD compares: Non-Finnish European, 0.00059%; no homozygotes.

Submissions (3):

Blueprint Genetics
Classification: Uncertain significance. Last evaluated: 2024-03-04. Review status: criteria provided, single submitter. Criteria: ACMG Guidelines, 2015. Collection method: clinical testing. Allele origin: germline.

Labcorp Genetics (formerly Invitae), Labcorp
Classification: Uncertain significance for Alstrom syndrome. Last evaluated: 2022-08-31. Review status: criteria provided, single submitter. Criteria: Invitae Variant Classification Sherloc (09022015). Collection method: clinical testing. Allele origin: germline.
Comment: This sequence change replaces glutamic acid, which is acidic and polar, with lysine, which is basic and polar, at codon 639 of the ALMS1 protein (p.Glu639Lys). This variant is present in population databases (no rsID available, gnomAD no frequency). This variant has not been reported in the literature in individuals affected with ALMS1-related conditions. Experimental studies and prediction algorithms are not available or were not evaluated, and the functional significance of this variant is currently unknown. In summary, the available evidence is currently insufficient to determine the role of this variant in disease. Therefore, it has been classified as a Variant of Uncertain Significance.

Ambry Genetics
Classification: Uncertain significance for Cardiovascular phenotype. Last evaluated: 2022-05-09. Review status: criteria provided, single submitter. Criteria: Ambry Variant Classification Scheme 2023. Collection method: clinical testing. Allele origin: germline.